The following is an entry in ClinVar:

NM_005546.4(ITK):c.1411G>A (p.Ala471Thr)

Gene: ITK (IL2 inducible T cell kinase; plus strand). Cytogenetic location: 5q33.3.
Variant type: single nucleotide variant.
Coding change: c.1411G>A on transcript NM_005546.4 (MANE Select); coding-DNA position 1411, G replaced by A.
Protein change: p.Ala471Thr; replaces alanine 471 with threonine.
Molecular consequence: missense variant.
Genome position (GRCh38, 1-based): chr5:157,244,440, G>A. VCF-style: chr5-157244440-G-A. GRCh37 (hg19) VCF-style: chr5-156671450-G-A.
Other names: p.Ala471Thr; short protein forms A471T.
Identifiers: ClinVar variation 646233 (VCV000646233.12), dbSNP rs368438364, ClinGen allele CA3533073.

ClinVar aggregate classification (germline): Uncertain significance. Review status: criteria provided, multiple submitters, no conflicts (2 of 4 stars). 4 submissions from 4 submitters: Uncertain significance (4). Last evaluated 2025-01-08.

Conditions:
Lymphoproliferative syndrome 1 (LPFS1). Identifiers: Orphanet 238505, Orphanet 538963, MedGen C3552634, MONDO:0013081, OMIM 613011.

Allele frequency attached by ClinVar (database versions not stated): gnomAD exomes 0.00007 and 0.00021; ExAC 0.00010; gnomAD 0.00012 and 0.00013; ESP Exome Variant Server 0.00015; TOPMed 0.00016.

Submissions (4):

Labcorp Genetics (formerly Invitae), Labcorp
Classification: Uncertain significance for Lymphoproliferative syndrome 1. Last evaluated: 2025-01-08. Review status: criteria provided, single submitter. Criteria: Invitae Variant Classification Sherloc (09022015). Collection method: clinical testing. Allele origin: germline.
Comment: This sequence change replaces alanine, which is neutral and non-polar, with threonine, which is neutral and polar, at codon 471 of the ITK protein (p.Ala471Thr). This variant is present in population databases (rs368438364, gnomAD 0.01%). This variant has not been reported in the literature in individuals affected with ITK-related conditions. ClinVar contains an entry for this variant (Variation ID: 646233). Invitae Evidence Modeling of protein sequence and biophysical properties (such as structural, functional, and spatial information, amino acid conservation, physicochemical variation, residue mobility, and thermodynamic stability) indicates that this missense variant is not expected to disrupt ITK protein function with a negative predictive value of 80%. In summary, the available evidence is currently insufficient to determine the role of this variant in disease. Therefore, it has been classified as a Variant of Uncertain Significance.

Mayo Clinic Laboratories, Mayo Clinic
Classification: Uncertain significance. Last evaluated: 2024-01-04. Review status: criteria provided, single submitter. Criteria: ACMG Guidelines, 2015. Collection method: clinical testing. Allele origin: germline. Observed: 1 variant allele.

Blueprint Genetics
Classification: Uncertain significance. Last evaluated: 2023-09-05. Review status: criteria provided, single submitter. Criteria: ACMG Guidelines, 2015. Collection method: clinical testing. Allele origin: germline.

Illumina Laboratory Services, Illumina
Classification: Uncertain significance for Lymphoproliferative syndrome 1. Last evaluated: 2018-01-17. Review status: criteria provided, single submitter. Criteria: ICSL Variant Classification Criteria 13 December 2019. Collection method: clinical testing. Allele origin: germline.